The following is an entry in ClinVar:

ClinVar aggregate classification (germline): Likely pathogenic. Review status: criteria provided, multiple submitters, no conflicts (2 of 4 stars). 7 submissions from 7 submitters: Likely pathogenic (2). 5 of the submissions do not count toward it. Last evaluated 2024-12-28.

Conditions:
Cardiovascular phenotype. Identifiers: MedGen CN230736.
Dilated cardiomyopathy 1G (CMD1G). Identifiers: Orphanet 154, MedGen C1858763, MONDO:0011400, OMIM 604145.
Autosomal recessive limb-girdle muscular dystrophy type 2J (LGMDR10). Also called: Limb-girdle muscular dystrophy, type 2J; MUSCULAR DYSTROPHY, LIMB-GIRDLE, AUTOSOMAL RECESSIVE 10. Identifiers: Orphanet 140922, MedGen C1837342, MONDO:0012127, OMIM 608807.

Submissions (7):

Ambry Genetics
Classification: Likely pathogenic for Cardiovascular phenotype. Last evaluated: 2024-12-28. Review status: criteria provided, single submitter. Criteria: Ambry Variant Classification Scheme 2023. Collection method: clinical testing. Allele origin: germline.
Comment: The p.E20707* variant (also known as c.62119G>T), located in coding exon 161 of the TTN gene, results from a G to T substitution at nucleotide position 62119. This changes the amino acid from a glutamic acid to a stop codon within coding exon 161. This exon is located in the A-band region of the N2-B isoform of the titin protein and is constitutively expressed in TTN transcripts (percent spliced in or PSI 100%). This variant (referred to as NM_001267550.1:c.89314G>T, p.Glu29772*) was reported in individual(s) with features consistent with dilated cardiomyopathy (Jansweijer JA et al. Eur J Heart Fail, 2017 Apr;19:512-521). This variant is considered to be rare based on population cohorts in the Genome Aggregation Database (gnomAD). This alteration is expected to result in loss of function by premature protein truncation or nonsense-mediated mRNA decay. While truncating variants in TTN are present in 1-3% of the general population, truncating variants in the A-band are the most common cause of dilated cardiomyopathy (DCM) (Herman DS et al. N. Engl. J. Med., 2012 Feb;366:619-28; Roberts AM et al. Sci Transl Med, 2015 Jan;7:270ra6). TTN truncating variants encoded in constitutive exons (PSI >90%) have been found to be significantly associated with DCM regardless of their position in titin (Schafer S et al. Nat. Genet., 2017 01;49:46-53). Based on the majority of available evidence to date, this variant is likely to be pathogenic.

Labcorp Genetics (formerly Invitae), Labcorp
Classification: Likely pathogenic for Dilated cardiomyopathy 1G; Autosomal recessive limb-girdle muscular dystrophy type 2J. Last evaluated: 2024-11-07. Review status: criteria provided, single submitter. Criteria: Invitae Variant Classification Sherloc (09022015). Collection method: clinical testing. Allele origin: germline.
Comment: This sequence change creates a premature translational stop signal (p.Glu29772*) in the TTN gene. While this is not anticipated to result in nonsense mediated decay, it is expected to create a truncated TTN protein. This variant is not present in population databases (gnomAD no frequency). This premature translational stop signal has been observed in individual(s) with dilated cardiomyopathy (PMID: 27813223, 31112426, 36178741). ClinVar contains an entry for this variant (Variation ID: 1175166). This variant is located in the A band of TTN (PMID: 25589632). Truncating variants in this region are significantly overrepresented in patients affected with dilated cardiomyopathy (PMID: 25589632). Truncating variants in this region have also been reported in individuals affected with autosomal recessive centronuclear myopathy (PMID: 23975875). In summary, the currently available evidence indicates that the variant is pathogenic, but additional data are needed to prove that conclusively. Therefore, this variant has been classified as Likely Pathogenic.

Clinical Genetics DNA and cytogenetics Diagnostics Lab, Erasmus MC, Erasmus Medical Center
Classification: Pathogenic. Review status: no assertion criteria provided. Collection method: clinical testing. Allele origin: germline. Affected: yes. Study: VKGL Data-share Consensus. Not counted in ClinVar's aggregate classification.

Clinical Genetics, Academic Medical Center
Classification: Likely pathogenic. Review status: no assertion criteria provided. Collection method: clinical testing. Allele origin: germline. Affected: yes. Study: VKGL Data-share Consensus. Not counted in ClinVar's aggregate classification.

Diagnostic Laboratory, Department of Genetics, University Medical Center Groningen
Classification: Likely pathogenic. Review status: no assertion criteria provided. Collection method: clinical testing. Allele origin: germline. Affected: yes. Study: VKGL Data-share Consensus. Not counted in ClinVar's aggregate classification.

Genome Diagnostics Laboratory, University Medical Center Utrecht
Classification: Pathogenic. Review status: no assertion criteria provided. Collection method: clinical testing. Allele origin: germline. Affected: yes. Study: VKGL Data-share Consensus. Not counted in ClinVar's aggregate classification.

Joint Genome Diagnostic Labs from Nijmegen and Maastricht, Radboudumc and MUMC+
Classification: Pathogenic. Review status: no assertion criteria provided. Collection method: clinical testing. Allele origin: germline. Affected: yes. Study: VKGL Data-share Consensus. Not counted in ClinVar's aggregate classification.

Literature cited by the submitters: PubMed 27813223 (cited by Ambry Genetics and Labcorp Genetics (formerly Invitae), Labcorp); PubMed 31112426 (cited by Labcorp Genetics (formerly Invitae), Labcorp); PubMed 36178741 (cited by Labcorp Genetics (formerly Invitae), Labcorp); PubMed 25589632 (cited by Labcorp Genetics (formerly Invitae), Labcorp); PubMed 23975875 (cited by Labcorp Genetics (formerly Invitae), Labcorp).

NM_001267550.2(TTN):c.89314G>T (p.Glu29772Ter)

Genes: TTN (titin; minus strand), TTN-AS1 (TTN antisense RNA 1; plus strand). Cytogenetic location: 2q31.2.
Variant type: single nucleotide variant.
Coding change: c.89314G>T on transcript NM_001267550.2 (MANE Select); coding-DNA position 89314, G replaced by T.
Protein change: p.Glu29772Ter; replaces glutamic acid 29772 with a stop codon.
Molecular consequence: nonsense.
Genome position (GRCh38, 1-based): chr2:178,553,691, C>A on the plus strand (G>T on the coding strand, the complement: TTN is on the minus strand). VCF-style: chr2-178553691-C-A. GRCh37 (hg19) VCF-style: chr2-179418418-C-A.
Other names: c.84391G>T, p.Glu28131Ter (NM_001256850.1); c.62119G>T, p.Glu20707Ter (NM_003319.4); c.81610G>T, p.Glu27204Ter (NM_133378.4); c.62494G>T, p.Glu20832Ter (NM_133432.3); c.62695G>T, p.Glu20899Ter (NM_133437.4); short protein forms E20707*, E20832*, E20899*, E27204*, E28131*, E29772*.
Identifiers: ClinVar variation 1175166 (VCV001175166.11), dbSNP rs200503016, ClinGen allele CA349519330.